The following is an entry in ClinVar:

ClinVar aggregate classification (germline): Uncertain significance (1 of 4 stars; one submission).

gnomAD v4.1: 2 of 1,611,532 alleles (0.00012%); highest among the groups gnomAD compares: African/African-American, 0.0013%; no homozygotes.

Submission:

Labcorp Genetics (formerly Invitae), Labcorp
Classification: Uncertain significance. Last evaluated: 2024-11-05. Review status: criteria provided, single submitter. Criteria: Invitae Variant Classification Sherloc (09022015). Collection method: clinical testing. Allele origin: germline.
Comment: This sequence change replaces arginine, which is basic and polar, with glycine, which is neutral and non-polar, at codon 521 of the C7 protein (p.Arg521Gly). This variant is not present in population databases (gnomAD no frequency). This variant has not been reported in the literature in individuals affected with C7-related conditions. ClinVar contains an entry for this variant (Variation ID: 1382263). Invitae Evidence Modeling of protein sequence and biophysical properties (such as structural, functional, and spatial information, amino acid conservation, physicochemical variation, residue mobility, and thermodynamic stability) indicates that this missense variant is expected to disrupt C7 protein function with a positive predictive value of 80%. In summary, the available evidence is currently insufficient to determine the role of this variant in disease. Therefore, it has been classified as a Variant of Uncertain Significance.

NM_000587.4(C7):c.1561C>G (p.Arg521Gly)

Gene: C7 (complement C7; plus strand). Cytogenetic location: 5p13.1.
Variant type: single nucleotide variant.
Coding change: c.1561C>G on transcript NM_000587.4 (MANE Select); coding-DNA position 1561, C replaced by G.
Protein change: p.Arg521Gly; replaces arginine 521 with glycine.
Molecular consequence: missense variant.
Genome position (GRCh38, 1-based): chr5:40,959,520, C>G. VCF-style: chr5-40959520-C-G. GRCh37 (hg19) VCF-style: chr5-40959622-C-G.
Other names: short protein forms R521G.
Identifiers: ClinVar variation 1382263 (VCV001382263.6), dbSNP rs121964920, ClinGen allele CA359587933.